The following is an entry in ClinVar:

ClinVar aggregate classification (germline): Uncertain significance (1 of 4 stars; one submission).

Conditions:
Fanconi anemia complementation group O. Also called: RAD51C-Related Fanconi Anemia. Identifiers: Orphanet 84, MedGen C3150653, MONDO:0013248, OMIM 613390.

Submission:

Labcorp Genetics (formerly Invitae), Labcorp
Classification: Uncertain significance for Fanconi anemia complementation group O. Last evaluated: 2020-09-24. Review status: criteria provided, single submitter. Criteria: Invitae Variant Classification Sherloc (09022015). Collection method: clinical testing. Allele origin: germline.
Comment: This sequence change replaces leucine with isoleucine at codon 265 of the RAD51C protein (p.Leu265Ile). The leucine residue is highly conserved and there is a small physicochemical difference between leucine and isoleucine. This variant is not present in population databases (ExAC no frequency). This variant has not been reported in the literature in individuals with RAD51C-related conditions. Algorithms developed to predict the effect of missense changes on protein structure and function (SIFT, PolyPhen-2, Align-GVGD) all suggest that this variant is likely to be tolerated, but these predictions have not been confirmed by published functional studies and their clinical significance is uncertain. In summary, the available evidence is currently insufficient to determine the role of this variant in disease. Therefore, it has been classified as a Variant of Uncertain Significance.

NM_058216.3(RAD51C):c.793C>A (p.Leu265Ile)

Gene: RAD51C (RAD51 paralog C; plus strand). Cytogenetic location: 17q22.
Variant type: single nucleotide variant.
Coding change: c.793C>A on transcript NM_058216.3 (MANE Select); coding-DNA position 793, C replaced by A.
Protein change: p.Leu265Ile; replaces leucine 265 with isoleucine.
Molecular consequence: missense variant. On other transcripts: non-coding transcript variant (1).
Genome position (GRCh38, 1-based): chr17:58,709,946, C>A. VCF-style: chr17-58709946-C-A. GRCh37 (hg19) VCF-style: chr17-56787307-C-A.
Other names: short protein forms L265I.
Identifiers: ClinVar variation 998716 (VCV000998716.8), dbSNP rs759072716, ClinGen allele CA400354072.